The following is an entry in ClinVar:

NM_005618.4(DLL1):c.1631C>T (p.Pro544Leu)

Gene: DLL1 (delta like canonical Notch ligand 1; minus strand). Cytogenetic location: 6q27.
Variant type: single nucleotide variant.
Coding change: c.1631C>T on transcript NM_005618.4 (MANE Select); coding-DNA position 1631, C replaced by T.
Protein change: p.Pro544Leu; replaces proline 544 with leucine.
Molecular consequence: missense variant.
Genome position (GRCh38, 1-based): chr6:170,283,648, G>A on the plus strand (C>T on the coding strand, the complement: DLL1 is on the minus strand). VCF-style: chr6-170283648-G-A. GRCh37 (hg19) VCF-style: chr6-170592736-G-A.
Other names: short protein forms P544L.
Identifiers: ClinVar variation 1971018 (VCV001971018.5), dbSNP rs1008134691, ClinGen allele CA152190452.

ClinVar aggregate classification (germline): Uncertain significance (1 of 4 stars; one submission).

Allele frequency attached by ClinVar (database versions not stated): TOPMed 0.00001; gnomAD 0.00001.
gnomAD v4.1: 1 of 1,600,110 alleles (0.000062%); highest among the groups gnomAD compares: African/African-American, 0.0013%; no homozygotes.

Submission:

Labcorp Genetics (formerly Invitae), Labcorp
Classification: Uncertain significance. Last evaluated: 2022-08-05. Review status: criteria provided, single submitter. Criteria: Invitae Variant Classification Sherloc (09022015). Collection method: clinical testing. Allele origin: germline.
Comment: In summary, the available evidence is currently insufficient to determine the role of this variant in disease. Therefore, it has been classified as a Variant of Uncertain Significance. Algorithms developed to predict the effect of missense changes on protein structure and function are either unavailable or do not agree on the potential impact of this missense change (SIFT: "Tolerated"; PolyPhen-2: "Probably Damaging"; Align-GVGD: "Class C0"). This variant has not been reported in the literature in individuals affected with DLL1-related conditions. This variant is not present in population databases (gnomAD no frequency). This sequence change replaces proline, which is neutral and non-polar, with leucine, which is neutral and non-polar, at codon 544 of the DLL1 protein (p.Pro544Leu).